The following is an entry in ClinVar:

ClinVar aggregate classification (germline): Likely benign. Review status: criteria provided, multiple submitters, no conflicts (2 of 4 stars). 2 submissions from 2 submitters: Likely benign (2). Last evaluated 2025-01-31.

Conditions:
Nephronophthisis 15 (NPHP15). Identifiers: Orphanet 3156, MedGen C3541853, MONDO:0013917, OMIM 614845.
CEP164-related disorder. Also called: CEP164-related condition.

Allele frequency attached by ClinVar (database versions not stated): gnomAD exomes below 0.00001 and 0.00001; gnomAD 0.00002 and 0.00003; ExAC 0.00003; TOPMed 0.00003.
gnomAD v4.1: 8 of 1,613,054 alleles (0.0005%); highest among the groups gnomAD compares: African/African-American, 0.0093%; no homozygotes.

Submissions (2):

PreventionGenetics, part of Exact Sciences
Classification: Likely benign for CEP164-related condition. Last evaluated: 2025-01-31. Review status: criteria provided, single submitter. Criteria: ACMG Guidelines, 2015. Collection method: clinical testing. Allele origin: germline.
Comment: This variant is classified as likely benign based on ACMG/AMP sequence variant interpretation guidelines (Richards et al. 2015 PMID: 25741868, with internal and published modifications).

Labcorp Genetics (formerly Invitae), Labcorp
Classification: Likely benign for Nephronophthisis 15. Last evaluated: 2021-03-05. Review status: criteria provided, single submitter. Criteria: Invitae Variant Classification Sherloc (09022015). Collection method: clinical testing. Allele origin: germline.

NM_014956.5(CEP164):c.3279-5T>C

Gene: CEP164 (centrosomal protein 164; plus strand). Cytogenetic location: 11q23.3.
Variant type: single nucleotide variant.
Coding change: c.3279-5T>C on transcript NM_014956.5 (MANE Select); 5 bases into the intron before coding-DNA position 3279, T replaced by C.
Molecular consequence: intron variant.
Genome position (GRCh38, 1-based): chr11:117,397,086, T>C. VCF-style: chr11-117397086-T-C. GRCh37 (hg19) VCF-style: chr11-117267802-T-C.
Other names: c.3279-5T>C (NM_014956.4); c.3288-5T>C (NM_001271933.2).
Identifiers: ClinVar variation 1160136 (VCV001160136.10), dbSNP rs768653923, ClinGen allele CA6295409.